The following is an entry in ClinVar:

NM_000090.4(COL3A1):c.2671G>A (p.Gly891Arg)

Gene: COL3A1 (collagen type III alpha 1 chain; plus strand). Cytogenetic location: 2q32.2.
Variant type: single nucleotide variant.
Coding change: c.2671G>A on transcript NM_000090.4 (MANE Select); coding-DNA position 2671, G replaced by A.
Protein change: p.Gly891Arg; replaces glycine 891 with arginine.
Molecular consequence: missense variant.
Genome position (GRCh38, 1-based): chr2:189,003,991, G>A. VCF-style: chr2-189003991-G-A. GRCh37 (hg19) VCF-style: chr2-189868717-G-A.
Other names: short protein forms G891R.
Identifiers: ClinVar variation 2575879 (VCV002575879.4), dbSNP rs2469153261, ClinGen allele CA349843697.

ClinVar aggregate classification (germline): Pathogenic/Likely pathogenic. Review status: criteria provided, multiple submitters, no conflicts (2 of 4 stars). 2 submissions from 2 submitters: Pathogenic (1); Likely pathogenic (1). Last evaluated 2023-11-11.

Conditions:
Ehlers-Danlos syndrome, type 4 (EDSVASC). Also called: Ehlers-Danlos syndrome vascular type; Ehlers Danlos syndrome, ecchymotic type; Ehlers Danlos syndrome, arterial type; Ehlers Danlos syndrome, Sack-Barabas type; Ehlers-Danlos Syndrome Type IV. Identifiers: Orphanet 286, MedGen C0268338, MONDO:0017314, OMIM 130050.

Submissions (2):

Labcorp Genetics (formerly Invitae), Labcorp
Classification: Likely pathogenic for Ehlers-Danlos syndrome, type 4. Last evaluated: 2023-11-11. Review status: criteria provided, single submitter. Criteria: Invitae Variant Classification Sherloc (09022015). Collection method: clinical testing. Allele origin: germline.
Comment: This sequence change replaces glycine, which is neutral and non-polar, with arginine, which is basic and polar, at codon 891 of the COL3A1 protein (p.Gly891Arg). This variant is not present in population databases (gnomAD no frequency). This missense change has been observed in individual(s) with vascular Ehlers-Danlos syndrome (PMID: 22492385). ClinVar contains an entry for this variant (Variation ID: 2575879). Advanced modeling of protein sequence and biophysical properties (such as structural, functional, and spatial information, amino acid conservation, physicochemical variation, residue mobility, and thermodynamic stability) performed at Invitae indicates that this missense variant is expected to disrupt COL3A1 protein function with a positive predictive value of 95%. This variant disrupts the triple helix domain of COL3A1. Glycine residues within the Gly-Xaa-Yaa repeats of the triple helix domain are required for the structure and stability of fibrillar collagens (PMID: 7695699, 8218237, 19344236). In COL3A1, variants that affect these glycine residues are significantly enriched in individuals with disease (PMID: 24922459, 25758994) compared to the general population (ExAC). In summary, the currently available evidence indicates that the variant is pathogenic, but additional data are needed to prove that conclusively. Therefore, this variant has been classified as Likely Pathogenic.

GeneDx
Classification: Pathogenic. Last evaluated: 2023-02-22. Review status: criteria provided, single submitter. Criteria: GeneDx Variant Classification Process June 2021. Collection method: clinical testing. Allele origin: germline. Affected: yes.
Comment: Not observed at significant frequency in large population cohorts (gnomAD); In silico analysis supports that this missense variant has a deleterious effect on protein structure/function; Occurs in the triple helical domain and replaces the glycine in the canonical Gly-X-Y repeat; missense substitution of a canonical glycine residue is expected to disrupt normal protein folding and function, and this is an established mechanism of disease (HGMD); This variant is associated with the following publications: (PMID: 30474650, 22492385)

Literature cited by the submitters: PubMed 22492385 (cited by Labcorp Genetics (formerly Invitae), Labcorp); PubMed 7695699 (cited by Labcorp Genetics (formerly Invitae), Labcorp); PubMed 8218237 (cited by Labcorp Genetics (formerly Invitae), Labcorp); PubMed 19344236 (cited by Labcorp Genetics (formerly Invitae), Labcorp); PubMed 24922459 (cited by Labcorp Genetics (formerly Invitae), Labcorp); PubMed 25758994 (cited by Labcorp Genetics (formerly Invitae), Labcorp).